The following is an entry in ClinVar:

NM_001165963.4(SCN1A):c.705del (p.Ile236fs)

Gene: SCN1A (sodium voltage-gated channel alpha subunit 1; minus strand). Cytogenetic location: 2q24.3.
Variant type: Deletion.
Coding change: c.705del on transcript NM_001165963.4 (MANE Select); coding-DNA position 705, one base deleted (C; older notation c.705delC).
Protein change: p.Ile236fs; shifts the reading frame from isoleucine 236.
Molecular consequence: frameshift variant. On other transcripts: 5 prime UTR variant (1), non-coding transcript variant (1).
Genome position (GRCh38, 1-based): chr2:166,051,978, G deleted on the plus strand (C on the coding strand, the reverse complement: SCN1A is on the minus strand); the first of 2 consecutive G bases (chr2:166,051,978-166,051,979); deleting either gives the same sequence. VCF-style (leftmost placement, unchanged base first): chr2-166051977-TG-T. GRCh37 (hg19) VCF-style: chr2-166908487-TG-T.
Other names: c.705del, p.Ile236fs (NM_001165964.3, NM_001202435.3, NM_001353948.2 and 10 more transcripts); c.-1721del (NM_001353961.2); short protein forms I236fs.
Identifiers: ClinVar variation 280191 (VCV000280191.2), dbSNP rs886041442, ClinGen allele CA10602843.

ClinVar aggregate classification (germline): Pathogenic (1 of 4 stars; one submission).

Submission:

GeneDx
Classification: Pathogenic. Last evaluated: 2015-12-18. Review status: criteria provided, single submitter. Criteria: GeneDx Variant Classification (06012015). Collection method: clinical testing. Allele origin: germline. Affected: yes.
Comment: This pathogenic variant is predicted to cause loss of normal protein function either through protein truncation or nonsense-mediated mRNA decay. Although this pathogenic variant has not been previously reported to our knowledge, a different pathogenic variant (c.706delA) resulting in the same frameshift has been previously reported (SCN1A Variant Database).